The following is an entry in ClinVar:

ClinVar aggregate classification (germline): Uncertain significance (1 of 4 stars; one submission).

Conditions:
Cardiovascular phenotype. Identifiers: MedGen CN230736.

Submission:

Ambry Genetics
Classification: Uncertain significance for Cardiovascular phenotype. Last evaluated: 2025-09-07. Review status: criteria provided, single submitter. Criteria: Ambry Variant Classification Scheme 2023. Collection method: clinical testing. Allele origin: germline.
Comment: The p.E3863Q variant (also known as c.11587G>C), located in coding exon 26 of the APOB gene, results from a G to C substitution at nucleotide position 11587. The glutamic acid at codon 3863 is replaced by glutamine, an amino acid with highly similar properties. This amino acid position is conserved. In addition, this alteration is predicted to be tolerated by in silico analysis. Based on the available evidence, the clinical significance of this variant remains unclear.

NM_000384.3(APOB):c.11587G>C (p.Glu3863Gln)

Gene: APOB (apolipoprotein B; minus strand). Cytogenetic location: 2p24.1.
Variant type: single nucleotide variant.
Coding change: c.11587G>C on transcript NM_000384.3 (MANE Select); coding-DNA position 11587, G replaced by C.
Protein change: p.Glu3863Gln; replaces glutamic acid 3863 with glutamine.
Molecular consequence: missense variant.
Genome position (GRCh38, 1-based): chr2:21,005,281, C>G on the plus strand (G>C on the coding strand, the complement: APOB is on the minus strand). VCF-style: chr2-21005281-C-G. GRCh37 (hg19) VCF-style: chr2-21228153-C-G.
Other names: short protein forms E3863Q.
Identifiers: ClinVar variation 4125523 (VCV004125523.1).